The following is an entry in ClinVar:

ClinVar aggregate classification (germline): Uncertain significance (1 of 4 stars; one submission).

Conditions:
Hereditary cancer-predisposing syndrome. Also called: Hereditary Cancer Syndrome; Tumor predisposition; Hereditary neoplastic syndrome; Neoplastic Syndromes, Hereditary. Identifiers: Orphanet 140162, MedGen C0027672, MeSH D009386, MONDO:0015356.

Submission:

Ambry Genetics
Classification: Uncertain significance for Hereditary cancer-predisposing syndrome. Last evaluated: 2024-04-13. Review status: criteria provided, single submitter. Criteria: Ambry Variant Classification Scheme 2023. Collection method: clinical testing. Allele origin: germline.
Comment: The p.A697P variant (also known as c.2089G>C), located in coding exon 11 of the BARD1 gene, results from a G to C substitution at nucleotide position 2089. The alanine at codon 697 is replaced by proline, an amino acid with highly similar properties. This amino acid position is conserved. In addition, this alteration is predicted to be tolerated by in silico analysis. Based on the available evidence, the clinical significance of this variant remains unclear.

NM_000465.4(BARD1):c.2089G>C (p.Ala697Pro)

Gene: BARD1 (BRCA1 associated RING domain 1; minus strand). Cytogenetic location: 2q35.
Variant type: single nucleotide variant.
Coding change: c.2089G>C on transcript NM_000465.4 (MANE Select); coding-DNA position 2089, G replaced by C.
Protein change: p.Ala697Pro; replaces alanine 697 with proline.
Molecular consequence: missense variant. On other transcripts: non-coding transcript variant (3).
Genome position (GRCh38, 1-based): chr2:214,728,921, C>G on the plus strand (G>C on the coding strand, the complement: BARD1 is on the minus strand). VCF-style: chr2-214728921-C-G. GRCh37 (hg19) VCF-style: chr2-215593645-C-G.
Other names: c.2032G>C, p.Ala678Pro (NM_001282543.2); c.736G>C, p.Ala246Pro (NM_001282545.2); c.679G>C, p.Ala227Pro (NM_001282548.2); c.550G>C, p.Ala184Pro (NM_001282549.2); short protein forms A246P, A678P, A697P, A184P, A227P.
Identifiers: ClinVar variation 3260434 (VCV003260434.1).
Genomic context (GRCh38, chr2:214,728,921, plus strand): 5'-TGGTCTGAGTCACGTCACTGTCTGGCTTGGGCTTTCTACTGAGGATCTGGCCCCCACCTG[C>G]AGTGACGAGCTTAATAAGGTTGTCCTTTGGATGGTGTTTGAAGGTTCCCCACAAATAGAA-3'
Protein context (NP_000456.2, residues 687-707): PKDNLIKLVT[Ala697Pro]GGGQILSRKP